The following is an entry in ClinVar:

ClinVar aggregate classification (germline): Uncertain significance (1 of 4 stars; one submission).

Conditions:
Early-infantile DEE. Also called: Early infantile epileptic encephalopathy with suppression bursts; Early infantile epileptic encephalopathy; Ohtahara syndrome. Identifiers: Orphanet 1934, MedGen C0393706, MONDO:0800491.

gnomAD v4.1: 1 of 1,612,722 alleles (0.000062%); highest among the groups gnomAD compares: Non-Finnish European, 0.000085%; no homozygotes.

Submission:

Labcorp Genetics (formerly Invitae), Labcorp
Classification: Uncertain significance for Early-infantile DEE. Last evaluated: 2025-02-26. Review status: criteria provided, single submitter. Criteria: Invitae Variant Classification Sherloc (09022015). Collection method: clinical testing. Allele origin: germline.
Comment: This sequence change replaces aspartic acid, which is acidic and polar, with glycine, which is neutral and non-polar, at codon 1052 of the SCN1A protein (p.Asp1052Gly). This variant is present in population databases (no rsID available, gnomAD 0.0009%). This variant has not been reported in the literature in individuals affected with SCN1A-related conditions. Invitae Evidence Modeling of protein sequence and biophysical properties (such as structural, functional, and spatial information, amino acid conservation, physicochemical variation, residue mobility, and thermodynamic stability) indicates that this missense variant is not expected to disrupt SCN1A protein function with a negative predictive value of 95%. In summary, the available evidence is currently insufficient to determine the role of this variant in disease. Therefore, it has been classified as a Variant of Uncertain Significance.

NM_001165963.4(SCN1A):c.3155A>G (p.Asp1052Gly)

Genes: SCN1A (sodium voltage-gated channel alpha subunit 1; minus strand), LOC102724058 (uncharacterized LOC102724058; plus strand). Cytogenetic location: 2q24.3.
Variant type: single nucleotide variant.
Coding change: c.3155A>G on transcript NM_001165963.4 (MANE Select); coding-DNA position 3155, A replaced by G.
Protein change: p.Asp1052Gly; replaces aspartic acid 1052 with glycine.
Molecular consequence: missense variant. On other transcripts: non-coding transcript variant (2).
Genome position (GRCh38, 1-based): chr2:166,036,322, T>C on the plus strand (A>G on the coding strand, the complement: SCN1A is on the minus strand). VCF-style: chr2-166036322-T-C. GRCh37 (hg19) VCF-style: chr2-166892832-T-C.
Other names: c.3071A>G, p.Asp1024Gly (NM_001165964.3, NM_001353957.2, NM_001353958.2); c.3155A>G, p.Asp1052Gly (NM_001202435.3, NM_001353948.2); c.3122A>G, p.Asp1041Gly (NM_001353949.2, NM_001353950.2, NM_001353951.2 and 2 more transcripts); c.3119A>G, p.Asp1040Gly (NM_001353954.2, NM_001353955.2); c.3068A>G, p.Asp1023Gly (NM_001353960.2); c.713A>G, p.Asp238Gly (NM_001353961.2); short protein forms D1023G, D1024G, D1040G, D1041G, D1052G, D238G.
Identifiers: ClinVar variation 4800273 (VCV004800273.1).